The following is an entry in ClinVar:

NM_000138.5(FBN1):c.2752C>T (p.Pro918Ser)

Gene: FBN1 (fibrillin 1; minus strand). Cytogenetic location: 15q21.1.
Variant type: single nucleotide variant.
Coding change: c.2752C>T on transcript NM_000138.5 (MANE Select); coding-DNA position 2752, C replaced by T.
Protein change: p.Pro918Ser; replaces proline 918 with serine.
Molecular consequence: missense variant.
Genome position (GRCh38, 1-based): chr15:48,492,563, G>A on the plus strand (C>T on the coding strand, the complement: FBN1 is on the minus strand). VCF-style: chr15-48492563-G-A. GRCh37 (hg19) VCF-style: chr15-48784760-G-A.
Other names: short protein forms P918S.
Identifiers: ClinVar variation 527166 (VCV000527166.9), dbSNP rs1555398992, ClinGen allele CA392330819.

ClinVar aggregate classification (germline): Uncertain significance. Review status: criteria provided, multiple submitters, no conflicts (2 of 4 stars). 2 submissions from 2 submitters: Uncertain significance (2). Last evaluated 2023-09-07.

Conditions:
Familial thoracic aortic aneurysm and aortic dissection (TAAD). Also called: Thoracic aortic aneurysms and dissections. Identifiers: Orphanet 91387, MedGen C4707243, MONDO:0019625.
Marfan syndrome (MFS). Also called: Marfan syndrome type 1; Marfan syndrome, classic; Marfan's syndrome; FBN1-Related Marfan Syndrome; MARFAN SYNDROME, TYPE I. Identifiers: Orphanet 284963, Orphanet 558, MedGen C0024796, MONDO:0007947, OMIM 154700.

gnomAD v4.1: 1 of 1,607,048 alleles (0.000062%); no homozygotes.

Submissions (2):

ARUP Laboratories, Molecular Genetics and Genomics, ARUP Laboratories
Classification: Uncertain significance. Last evaluated: 2023-09-07. Review status: criteria provided, single submitter. Criteria: ARUP Molecular Germline Variant Investigation Process 2024. Collection method: clinical testing. Allele origin: germline.

Labcorp Genetics (formerly Invitae), Labcorp
Classification: Uncertain significance for Marfan syndrome; Familial thoracic aortic aneurysm and aortic dissection. Last evaluated: 2022-03-26. Review status: criteria provided, single submitter. Criteria: Invitae Variant Classification Sherloc (09022015). Collection method: clinical testing. Allele origin: germline.
Comment: ClinVar contains an entry for this variant (Variation ID: 527166). This variant has not been reported in the literature in individuals affected with FBN1-related conditions. This variant is not present in population databases (gnomAD no frequency). This sequence change replaces proline, which is neutral and non-polar, with serine, which is neutral and polar, at codon 918 of the FBN1 protein (p.Pro918Ser). Algorithms developed to predict the effect of missense changes on protein structure and function are either unavailable or do not agree on the potential impact of this missense change (SIFT: "Tolerated"; PolyPhen-2: "Probably Damaging"; Align-GVGD: "Class C15"). In summary, the available evidence is currently insufficient to determine the role of this variant in disease. Therefore, it has been classified as a Variant of Uncertain Significance.